The following is an entry in ClinVar:

ClinVar aggregate classification (germline): Conflicting classifications of pathogenicity. Review status: criteria provided, conflicting classifications (1 of 4 stars). 3 submissions from 3 submitters: Uncertain significance (1); Likely benign (1). 1 of the submissions does not count toward it. Last evaluated 2024-01-07.

Conditions:
Hereditary spastic paraplegia. Also called: Familial spastic paraparesis. Identifiers: Orphanet 685, MedGen C0037773, MONDO:0019064. Disease mechanism: loss of function.
KIF1A-related disorder. Also called: KIF1A-related disorders; KIF1A-related condition.
Neuropathy, hereditary sensory, type 2C. Also called: KIF1A-Related HSAN2 (HSAN2C); Hereditary sensory and autonomic neuropathy type IIC. Identifiers: Orphanet 970, MedGen C3280168, MONDO:0013634, OMIM 614213.
Intellectual disability, autosomal dominant 9 (NESCAVS). Also called: KIF1A-Related Neurodevelopmental Disorder; NESCAV SYNDROME. Identifiers: Orphanet 662367, MedGen C5393830, MONDO:0013656, OMIM 614255.
Hereditary spastic paraplegia 30. Identifiers: Orphanet 101010, MedGen C5235139, MONDO:0012476.

Allele frequency attached by ClinVar (database versions not stated): gnomAD 0.00001.
gnomAD v4.1: 14 of 1,611,622 alleles (0.00087%); highest among the groups gnomAD compares: Non-Finnish European, 0.001%; no homozygotes.

Submissions (3):

Labcorp Genetics (formerly Invitae), Labcorp
Classification: Likely benign for Hereditary spastic paraplegia 30; Neuropathy, hereditary sensory, type 2C; Intellectual disability, autosomal dominant 9. Last evaluated: 2024-01-07. Review status: criteria provided, single submitter. Criteria: Invitae Variant Classification Sherloc (09022015). Collection method: clinical testing. Allele origin: germline.

Genome Diagnostics Laboratory, The Hospital for Sick Children
Classification: Uncertain significance for Hereditary spastic paraplegia. Last evaluated: 2017-12-01. Review status: criteria provided, single submitter. Criteria: ACMG Guidelines, 2015. Collection method: clinical testing. Allele origin: germline. Affected: yes.

PreventionGenetics, part of Exact Sciences
Classification: Likely benign for KIF1A-related condition. Last evaluated: 2024-03-11. Review status: no assertion criteria provided. Collection method: clinical testing. Allele origin: germline. Not counted in ClinVar's aggregate classification.
Comment: This variant is classified as likely benign based on ACMG/AMP sequence variant interpretation guidelines (Richards et al. 2015 PMID: 25741868, with internal and published modifications).

NM_001244008.2(KIF1A):c.5274C>T (p.Ser1758=)

Gene: KIF1A (kinesin family member 1A; minus strand). Cytogenetic location: 2q37.3.
Variant type: single nucleotide variant.
Coding change: c.5274C>T on transcript NM_001244008.2 (MANE Select); coding-DNA position 5274, C replaced by T.
Protein change: p.Ser1758=; no amino-acid change (serine 1758 retained).
Molecular consequence: synonymous variant.
Genome position (GRCh38, 1-based): chr2:240,718,109, G>A on the plus strand (C>T on the coding strand, the complement: KIF1A is on the minus strand). VCF-style: chr2-240718109-G-A. GRCh37 (hg19) VCF-style: chr2-241657526-G-A.
Other names: c.4998C>T, p.Ser1666= (NM_001320705.2, NM_001379649.1); c.5025C>T, p.Ser1675= (NM_001330289.2); c.5073C>T, p.Ser1691= (NM_001330290.2, NM_001379648.1); c.5349C>T, p.Ser1783= (NM_001379631.1); c.5250C>T, p.Ser1750= (NM_001379632.1); c.5247C>T, p.Ser1749= (NM_001379633.1, NM_001379645.1); c.5100C>T, p.Ser1700= (NM_001379634.1); c.5097C>T, p.Ser1699= (NM_001379635.1, NM_001379646.1); and 9 more.
Identifiers: ClinVar variation 1344383 (VCV001344383.12), dbSNP rs899778611, ClinGen allele CA68131826.